The following is an entry in ClinVar:

ClinVar aggregate classification (germline): Benign. Review status: criteria provided, multiple submitters, no conflicts (2 of 4 stars). 19 submissions from 15 submitters: Benign (15). 4 of the submissions do not count toward it. Last evaluated 2026-05-08.

Conditions:
Hearing loss, autosomal dominant 37. Also called: DEAFNESS, AUTOSOMAL DOMINANT 37. Identifiers: MedGen C4760307, MONDO:0032802, OMIM 618533.
Connective tissue disorder. Also called: Connective tissue disease. Identifiers: MedGen C0009782, MONDO:0003900.
Fibrochondrogenesis 1 (FBCG1). Identifiers: Orphanet 2021, MedGen C3278138, MONDO:0009226, OMIM 228520.
Stickler syndrome type 2 (STL2). Also called: STICKLER SYNDROME, BEADED VITREOUS TYPE; STICKLER SYNDROME, VITREOUS TYPE 2; STICKLER SYNDROME, TYPE II; COL11A1-Related Stickler Syndrome. Identifiers: Orphanet 828, Orphanet 90654, MedGen C1858084, MONDO:0011493, OMIM 604841.
Marshall syndrome (MRSHS). Identifiers: Orphanet 560, MedGen C0265235, MONDO:0007949, OMIM 154780.
Lumbar disk herniation, susceptibility to. Also called: Lumbar disc herniation, susceptibility to. Identifiers: MedGen C2676840, MONDO:0100202.

Allele frequency attached by ClinVar (database versions not stated): 1000 Genomes Project 0.78295; 1000 Genomes Project 30x 0.78810; ExAC 0.79416; gnomAD 0.81190 and 0.81716; TOPMed 0.81758; ESP Exome Variant Server 0.80701.
gnomAD v4.1: 1,292,628 of 1,612,246 alleles (80%); highest among the groups gnomAD compares: Admixed American, 87%; 519,995 homozygotes.

Submissions (19):

Women's Health and Genetics/Laboratory Corporation of America, LabCorp
Classification: Benign. Last evaluated: 2026-05-08. Review status: criteria provided, single submitter. Criteria: LabCorp Variant Classification Summary - May 2015. Collection method: clinical testing. Allele origin: germline.

Labcorp Genetics (formerly Invitae), Labcorp
Classification: Benign. Last evaluated: 2026-02-04. Review status: criteria provided, single submitter. Criteria: Invitae Variant Classification Sherloc (09022015). Collection method: clinical testing. Allele origin: germline.

Blueprint Genetics
Classification: Benign. Last evaluated: 2024-11-26. Review status: criteria provided, single submitter. Criteria: ACMG Guidelines, 2015. Collection method: clinical testing. Allele origin: germline.

Genome Diagnostics Laboratory, The Hospital for Sick Children
Classification: Benign for Connective tissue disorder. Last evaluated: 2022-07-18. Review status: criteria provided, single submitter. Criteria: ACMG Guidelines, 2015. Collection method: clinical testing. Allele origin: germline.

Genome-Nilou Lab
Classification: Benign for Hearing loss, autosomal dominant 37. Last evaluated: 2021-07-22. Review status: criteria provided, single submitter. Criteria: ACMG Guidelines, 2015. Collection method: clinical testing. Allele origin: germline. Affected: no.

Genome-Nilou Lab
Classification: Benign for Fibrochondrogenesis 1. Last evaluated: 2021-07-22. Review status: criteria provided, single submitter. Criteria: ACMG Guidelines, 2015. Collection method: clinical testing. Allele origin: germline. Affected: no.

Genome-Nilou Lab
Classification: Benign for Marshall syndrome. Last evaluated: 2021-07-22. Review status: criteria provided, single submitter. Criteria: ACMG Guidelines, 2015. Collection method: clinical testing. Allele origin: germline. Affected: no.

Genome-Nilou Lab
Classification: Benign for Stickler syndrome type 2. Last evaluated: 2021-07-22. Review status: criteria provided, single submitter. Criteria: ACMG Guidelines, 2015. Collection method: clinical testing. Allele origin: germline. Affected: no.

Mendelics
Classification: Benign for Fibrochondrogenesis 1. Last evaluated: 2019-05-28. Review status: criteria provided, single submitter. Criteria: Mendelics Assertion Criteria 2017. Collection method: clinical testing. Allele origin: unknown.

Mayo Clinic Laboratories, Mayo Clinic
Classification: Benign. Last evaluated: 2019-05-20. Review status: criteria provided, single submitter. Criteria: ACMG Guidelines, 2015. Collection method: clinical testing. Allele origin: germline. Observed: 161 variant alleles.

Illumina Laboratory Services, Illumina
Classification: Benign for Fibrochondrogenesis 1. Last evaluated: 2018-03-06. Review status: criteria provided, single submitter. Criteria: ICSL Variant Classification Criteria 13 December 2019. Collection method: clinical testing. Allele origin: germline.
Comment: This variant was observed in the ICSL laboratory as part of a predisposition screen in an ostensibly healthy population. It had not been previously curated by ICSL or reported in the Human Gene Mutation Database (HGMD: prior to June 1st, 2018), and was therefore a candidate for classification through an automated scoring system. Utilizing variant allele frequency, disease prevalence and penetrance estimates, and inheritance mode, an automated score was calculated to assess if this variant is too frequent to cause the disease. Based on the score and internal cut-off values, a variant classified as benign is not then subjected to further curation. The score for this variant resulted in a classification of benign for this disease.

Illumina Laboratory Services, Illumina
Classification: Benign for Stickler syndrome type 2. Last evaluated: 2018-03-06. Review status: criteria provided, single submitter. Criteria: ICSL Variant Classification Criteria 13 December 2019. Collection method: clinical testing. Allele origin: germline.
Comment: the same text as in the submission from Illumina Laboratory Services, Illumina above.

GeneDx
Classification: Benign. Last evaluated: 2016-09-29. Review status: criteria provided, single submitter. Criteria: GeneDx Variant Classification (06012015). Collection method: clinical testing. Allele origin: germline. Affected: yes.
Comment: This variant is considered likely benign or benign based on one or more of the following criteria: it is a conservative change, it occurs at a poorly conserved position in the protein, it is predicted to be benign by multiple in silico algorithms, and/or has population frequency not consistent with disease.

Breakthrough Genomics
Classification: Benign. Review status: criteria provided, single submitter. Criteria: ACMG Guidelines, 2015. Collection method: not provided. Allele origin: germline. Inheritance: Autosomal recessive inheritance. Affected: yes.

PreventionGenetics, part of Exact Sciences
Classification: Benign. Review status: criteria provided, single submitter. Criteria: ACMG Guidelines, 2015. Collection method: clinical testing. Allele origin: germline.

OMIM
Classification: risk factor for LUMBAR DISC HERNIATION, SUSCEPTIBILITY TO. Last evaluated: 2007-12-01. Review status: no assertion criteria provided. Collection method: literature only. Allele origin: germline. Not counted in ClinVar's aggregate classification.

Diagnostic Laboratory, Department of Genetics, University Medical Center Groningen
Classification: Benign. Review status: no assertion criteria provided. Collection method: clinical testing. Allele origin: germline. Affected: yes. Study: VKGL Data-share Consensus. Not counted in ClinVar's aggregate classification.

Genome Diagnostics Laboratory, Amsterdam University Medical Center
Classification: Benign. Review status: no assertion criteria provided. Collection method: clinical testing. Allele origin: germline. Affected: yes. Study: VKGL Data-share Consensus. Not counted in ClinVar's aggregate classification.

Joint Genome Diagnostic Labs from Nijmegen and Maastricht, Radboudumc and MUMC+
Classification: Benign. Review status: no assertion criteria provided. Collection method: clinical testing. Allele origin: germline. Affected: yes. Study: VKGL Data-share Consensus. Not counted in ClinVar's aggregate classification.

Literature cited by the submitters: PubMed 17999364 (cited by OMIM).

NM_001854.4(COL11A1):c.4603T>C (p.Ser1535Pro)

Gene: COL11A1 (collagen type XI alpha 1 chain; minus strand). Cytogenetic location: 1p21.1.
Variant type: single nucleotide variant.
Coding change: c.4603T>C on transcript NM_001854.4 (MANE Select); coding-DNA position 4603, T replaced by C.
Protein change: p.Ser1535Pro; replaces serine 1535 with proline.
Molecular consequence: missense variant. On other transcripts: non-coding transcript variant (1).
Genome position (GRCh38, 1-based): chr1:102,888,582, A>G on the plus strand (T>C on the coding strand, the complement: COL11A1 is on the minus strand). VCF-style: chr1-102888582-A-G. GRCh37 (hg19) VCF-style: chr1-103354138-A-G.
Other names: c.4486T>C, p.Ser1496Pro (NM_001190709.2); c.4639T>C, p.Ser1547Pro (NM_080629.3); c.4255T>C, p.Ser1419Pro (NM_080630.4); short protein forms S1535P, S1547P, S1419P, S1496P.
Identifiers: ClinVar variation 17137 (VCV000017137.31), dbSNP rs1676486, ClinGen allele CA212992.